The following is an entry in ClinVar:

ClinVar aggregate classification (germline): Uncertain significance (1 of 4 stars; one submission).

Conditions:
Autoinflammatory syndrome, familial, Behcet-like 1 (AIFBL1). Also called: Haploinsufficiency of A20. Identifiers: Orphanet 674762, MedGen C4225218, MONDO:0800045, OMIM 616744.

Allele frequency attached by ClinVar (database versions not stated): gnomAD 0.00001; TOPMed 0.00001.
gnomAD v4.1: 13 of 1,614,016 alleles (0.00081%); highest among the groups gnomAD compares: Admixed American, 0.005%; no homozygotes.

Submission:

Neuberg Centre For Genomic Medicine, NCGM
Classification: Uncertain significance for Autoinflammatory syndrome, familial, Behcet-like 1. Review status: criteria provided, single submitter. Criteria: ACMG Guidelines, 2015. Collection method: clinical testing. Allele origin: germline. Inheritance: Autosomal dominant inheritance. Affected: yes.
Comment: The missense variant c.260G>A (p.Arg87Gln) in TNFAIP3 gene has not been reported previously as a pathogenic variant nor as a benign variant, to our knowledge. This variant is reported with the allele frequency (0.0008%) in the gnomAD and novel in 1000 genome database. The amino acid Arginine at position 87 is changed to a Glutamine changing protein sequence and it might alter its composition and physico-chemical properties. The variant is predicted as conserved by GERP++ and PhyloP across 100 vertebrates. For these reasons, this variant has been classified as Uncertain Significance.

NM_001270508.2(TNFAIP3):c.260G>A (p.Arg87Gln)

Gene: TNFAIP3 (TNF alpha induced protein 3; plus strand). Cytogenetic location: 6q23.3.
Variant type: single nucleotide variant.
Coding change: c.260G>A on transcript NM_001270508.2 (MANE Select); coding-DNA position 260, G replaced by A.
Protein change: p.Arg87Gln; replaces arginine 87 with glutamine.
Molecular consequence: missense variant.
Genome position (GRCh38, 1-based): chr6:137,871,487, G>A. VCF-style: chr6-137871487-G-A. GRCh37 (hg19) VCF-style: chr6-138192624-G-A.
Other names: c.260G>A, p.Arg87Gln (NM_001270507.2, NM_006290.4); short protein forms R87Q.
Identifiers: ClinVar variation 2585610 (VCV002585610.1), dbSNP rs1363086770, ClinGen allele CA365780748.